The following is an entry in ClinVar:

ClinVar aggregate classification (germline): Uncertain significance (1 of 4 stars; one submission).

Conditions:
Kabuki syndrome. Also called: NIIKAWA-KUROKI SYNDROME; Kabuki make-up syndrome. Identifiers: Orphanet 2322, MedGen C0796004, MONDO:0016512.

Submission:

Labcorp Genetics (formerly Invitae), Labcorp
Classification: Uncertain significance for Kabuki syndrome. Last evaluated: 2023-03-01. Review status: criteria provided, single submitter. Criteria: Invitae Variant Classification Sherloc (09022015). Collection method: clinical testing. Allele origin: germline.
Comment: This sequence change replaces proline, which is neutral and non-polar, with leucine, which is neutral and non-polar, at codon 4082 of the KMT2D protein (p.Pro4082Leu). This variant is not present in population databases (gnomAD no frequency). This variant has not been reported in the literature in individuals affected with KMT2D-related conditions. Advanced modeling of protein sequence and biophysical properties (such as structural, functional, and spatial information, amino acid conservation, physicochemical variation, residue mobility, and thermodynamic stability) performed at Invitae indicates that this missense variant is not expected to disrupt KMT2D protein function. In summary, the available evidence is currently insufficient to determine the role of this variant in disease. Therefore, it has been classified as a Variant of Uncertain Significance.

NM_003482.4(KMT2D):c.12245C>T (p.Pro4082Leu)

Gene: KMT2D (lysine methyltransferase 2D; minus strand). Cytogenetic location: 12q13.12.
Variant type: single nucleotide variant.
Coding change: c.12245C>T on transcript NM_003482.4 (MANE Select); coding-DNA position 12245, C replaced by T.
Protein change: p.Pro4082Leu; replaces proline 4082 with leucine.
Molecular consequence: missense variant.
Genome position (GRCh38, 1-based): chr12:49,032,460, G>A on the plus strand (C>T on the coding strand, the complement: KMT2D is on the minus strand). VCF-style: chr12-49032460-G-A. GRCh37 (hg19) VCF-style: chr12-49426243-G-A.
Other names: short protein forms P4082L.
Identifiers: ClinVar variation 2841980 (VCV002841980.3), dbSNP rs768226121, ClinGen allele CA384712472.